The following is an entry in ClinVar:

ClinVar aggregate classification (germline): Uncertain significance (1 of 4 stars; one submission).

gnomAD v4.1: 4 of 1,542,234 alleles (0.00026%); highest among the groups gnomAD compares: Non-Finnish European, 0.00035%; no homozygotes.

Submission:

Labcorp Genetics (formerly Invitae), Labcorp
Classification: Uncertain significance. Last evaluated: 2022-08-16. Review status: criteria provided, single submitter. Criteria: Invitae Variant Classification Sherloc (09022015). Collection method: clinical testing. Allele origin: germline.
Comment: This variant is not present in population databases (gnomAD no frequency). This sequence change falls in intron 41 of the UNC80 gene. It does not directly change the encoded amino acid sequence of the UNC80 protein. It affects a nucleotide within the consensus splice site. This variant has not been reported in the literature in individuals affected with UNC80-related conditions. ClinVar contains an entry for this variant (Variation ID: 1372772). Variants that disrupt the consensus splice site are a relatively common cause of aberrant splicing (PMID: 17576681, 9536098). Algorithms developed to predict the effect of sequence changes on RNA splicing suggest that this variant may disrupt the consensus splice site. In summary, the available evidence is currently insufficient to determine the role of this variant in disease. Therefore, it has been classified as a Variant of Uncertain Significance.

Literature cited by the submitters: PubMed 17576681; PubMed 9536098.

NM_001371986.1(UNC80):c.6465+3G>A

Gene: UNC80 (unc-80 subunit of NALCN channel complex; plus strand). Cytogenetic location: 2q34.
Variant type: single nucleotide variant.
Coding change: c.6465+3G>A on transcript NM_001371986.1 (MANE Select); 3 bases into the intron after coding-DNA position 6465, G replaced by A.
Molecular consequence: intron variant.
Genome position (GRCh38, 1-based): chr2:209,937,633, G>A. VCF-style: chr2-209937633-G-A. GRCh37 (hg19) VCF-style: chr2-210802357-G-A.
Other names: c.6267+3G>A (NM_032504.2); c.6252+3G>A (NM_182587.4).
Identifiers: ClinVar variation 1372772 (VCV001372772.6), dbSNP rs2124974237, ClinGen allele CA2573135184.